The following is an entry in ClinVar:

ClinVar aggregate classification (germline): Uncertain significance (1 of 4 stars; one submission).

Submission:

CeGaT Center for Human Genetics Tuebingen
Classification: Uncertain significance. Last evaluated: 2022-10-01. Review status: criteria provided, single submitter. Criteria: CeGaT Center For Human Genetics Tuebingen Variant Classification Criteria Version 2. Collection method: clinical testing. Allele origin: germline. Affected: yes. Observed: 1 variant allele.
Comment: MYH6: PM2

NM_002471.4(MYH6):c.3696C>G (p.Asp1232Glu)

Gene: MYH6 (myosin heavy chain 6; minus strand). Cytogenetic location: 14q11.2.
Variant type: single nucleotide variant.
Coding change: c.3696C>G on transcript NM_002471.4 (MANE Select); coding-DNA position 3696, C replaced by G.
Protein change: p.Asp1232Glu; replaces aspartic acid 1232 with glutamic acid.
Molecular consequence: missense variant.
Genome position (GRCh38, 1-based): chr14:23,390,093, G>C on the plus strand (C>G on the coding strand, the complement: MYH6 is on the minus strand). VCF-style: chr14-23390093-G-C. GRCh37 (hg19) VCF-style: chr14-23859302-G-C.
Other names: short protein forms D1232E.
Identifiers: ClinVar variation 2644097 (VCV002644097.24), dbSNP rs779525060, ClinGen allele CA389005247.